The following is an entry in ClinVar:

NM_000059.4(BRCA2):c.7024C>T (p.Gln2342Ter)

Gene: BRCA2 (BRCA2 DNA repair associated; plus strand). Cytogenetic location: 13q13.1.
Variant type: single nucleotide variant.
Coding change: c.7024C>T on transcript NM_000059.4 (MANE Select); coding-DNA position 7024, C replaced by T.
Protein change: p.Gln2342Ter; replaces glutamine 2342 with a stop codon.
Molecular consequence: nonsense.
Genome position (GRCh38, 1-based): chr13:32,354,877, C>T. VCF-style: chr13-32354877-C-T. GRCh37 (hg19) VCF-style: chr13-32929014-C-T.
Other names: 7252C>T; short protein forms Q2342*.
Identifiers: ClinVar variation 52250 (VCV000052250.33), dbSNP rs80358928, ClinGen allele CA024765.
Genomic context (GRCh38, chr13:32,354,877, plus strand): 5'-ATGTGTACTAGTCAATAAACTTATATATTTTCTCCCCATTGCAGCACAACTAAGGAACGT[C>T]AAGAGATACAGAATCCAAATTTTACCGCACCTGGTCAAGAATTTCTGTCTAAATCTCATT-3'

ClinVar aggregate classification (germline): Pathogenic. Review status: reviewed by expert panel (3 of 4 stars). 19 submissions from 19 submitters: Pathogenic (1). 18 of the submissions do not count toward it. Last evaluated 2016-09-08.

Conditions:
BRCA2-related cancer predisposition. Identifiers: MedGen CN377758, MONDO:0700269.
Hereditary cancer-predisposing syndrome. Also called: Neoplastic Syndromes, Hereditary; Hereditary neoplastic syndrome; Tumor predisposition; Hereditary Cancer Syndrome. Identifiers: Orphanet 140162, MedGen C0027672, MeSH D009386, MONDO:0015356.
Familial cancer of breast. Also called: Hereditary breast cancer; hereditary breast carcinoma; BREAST CANCER, FAMILIAL. Identifiers: Orphanet 227535, MedGen C0346153, MONDO:0016419, OMIM 114480. Disease mechanism: loss of function.
Breast-ovarian cancer, familial, susceptibility to, 2 (BROVCA2). Also called: BRCA2 Hereditary Breast and Ovarian Cancer. Identifiers: Orphanet 145, MedGen C2675520, MONDO:0012933, OMIM 612555. Disease mechanism: loss of function.
Hereditary breast ovarian cancer syndrome. Also called: Hereditary breast and/or ovarian cancer syndrome; Hereditary breast and ovarian cancer; Hereditary breast and ovarian cancer syndrome (HBOC); Breast and ovarian cancer; BRCA1- and BRCA2-Associated Hereditary Breast and Ovarian Cancer; Hereditary breast and ovarian cancer syndrome. Identifiers: Orphanet 145, MedGen C0677776, MeSH D061325, MONDO:0003582. Disease mechanism: loss of function.

Allele frequency attached by ClinVar (database versions not stated): gnomAD exomes below 0.00001; TOPMed 0.00001.

Submissions 1 to 10 of 19:

Evidence-based Network for the Interpretation of Germline Mutant Alleles (ENIGMA)
Classification: Pathogenic for Breast-ovarian cancer, familial, susceptibility to, 2. Last evaluated: 2016-09-08. Review status: reviewed by expert panel. Criteria: ENIGMA BRCA1/2 Classification Criteria (2015). Collection method: curation. Allele origin: germline.
Comment: Variant allele predicted to encode a truncated non-functional protein.

Ambry Genetics
Classification: Pathogenic for Hereditary cancer-predisposing syndrome. Last evaluated: 2026-05-27. Review status: criteria provided, single submitter. Criteria: Ambry Variant Classification Scheme 2023. Collection method: clinical testing. Allele origin: germline. Not counted in ClinVar's aggregate classification.
Comment: The c.7024C>T (p.Q2342*) alteration, located in exon 14 (coding exon 13) of the BRCA2 gene, consists of a C to T substitution at nucleotide position 7024. This changes the amino acid from a glutamine (Q) to a stop codon at amino acid position 2342. This variant is expected to result in loss of function by premature protein truncation or nonsense-mediated mRNA decay. Based on data from gnomAD, the T allele has an overall frequency of <0.001% (1/250660) total alleles studied. The highest observed frequency was 0.006% (1/15818) of African alleles. This mutation has been reported in multiple hereditary breast and ovarian cancer (HBOC) syndrome cohorts, including individuals with male breast and/or prostate cancer (Panchal, 2009; Vesprini, 2011; Couch, 2015; Grindedal, 2017; Li, 2017; Rebbeck, 2018; Bernstein-Molho, 2019; Matejcic, 2020; Bang, 2022). Of note, this alteration is also designated 7252C>T and C7252T in the published literature. Based on the available evidence, this alteration is classified as pathogenic.

Labcorp Genetics (formerly Invitae), Labcorp
Classification: Pathogenic for Hereditary breast ovarian cancer syndrome. Last evaluated: 2025-11-18. Review status: criteria provided, single submitter. Criteria: Invitae Variant Classification Sherloc (09022015). Collection method: clinical testing. Allele origin: germline. Not counted in ClinVar's aggregate classification.
Comment: This sequence change creates a premature translational stop signal (p.Gln2342*) in the BRCA2 gene. It is expected to result in an absent or disrupted protein product. Loss-of-function variants in BRCA2 are known to be pathogenic (PMID: 20104584). This variant is present in population databases (rs80358928, gnomAD 0.007%). This premature translational stop signal has been observed in individual(s) with breast cancer and prostate cancer (PMID: 19787003, 28637432). ClinVar contains an entry for this variant (Variation ID: 52250). For these reasons, this variant has been classified as Pathogenic.

All of Us Research Program, National Institutes of Health
Classification: Pathogenic for BRCA2-related cancer predisposition. Last evaluated: 2024-03-24. Review status: criteria provided, single submitter. Criteria: ACMG Guidelines, 2015. Collection method: clinical testing. Allele origin: germline. Inheritance: Autosomal dominant inheritance. Observed: 1 variant allele, 1 heterozygote. Not counted in ClinVar's aggregate classification.
Comment: This variant changes 1 nucleotide in exon 14 of the BRCA2 gene, creating a premature translation stop signal. This variant is expected to result in an absent or non-functional protein product. To our knowledge, functional studies have not been reported for this variant. This variant has been reported in multiple individuals affected with female and male breast cancer (PMID: 12491487, 19787003, 21470549, 25452441, 28637432), including one pedigree that had four breast cancer affected siblings with this variant (PMID: 19787003). This variant has been identified in 1/250660 chromosomes in the general population by the Genome Aggregation Database (gnomAD). Loss of BRCA2 function is a known mechanism of disease. Based on the available evidence, this variant is classified as Pathogenic.

This study involves interpretation of variants in research participants for the purpose of population health screening. Participant phenotype was not available at the time of variant classification. Additional details can be found in publication PMID: 35346344, PMCID: PMC8962531

Quest Diagnostics Nichols Institute San Juan Capistrano
Classification: Pathogenic. Last evaluated: 2024-02-22. Review status: criteria provided, single submitter. Criteria: Quest Diagnostics criteria. Collection method: clinical testing. Allele origin: unknown. Not counted in ClinVar's aggregate classification.
Comment: The BRCA2 c.7024C>T (p.Gln2342*) variant causes the premature termination of BRCA2 protein synthesis. This variant has been reported in the published literature in individuals affected with breast cancer (PMID: 12491487 (2003), 19787003 (2009), 21470549 (2011), 25452441 (2015), 28637432 (2017), 31368036 (2019), 33758026 (2022), 34645131 (2022)) and prostate cancer (PMID: 21470549 (2011), 36446039 (2022)). The frequency of this variant in the general population, 0.000004 (1/250660 chromosomes (Genome Aggregation Database)), is consistent with pathogenicity. Based on the available information, this variant is classified as pathogenic.

Color Diagnostics, LLC DBA Color Health
Classification: Pathogenic for Hereditary cancer-predisposing syndrome. Last evaluated: 2024-01-29. Review status: criteria provided, single submitter. Criteria: ACMG Guidelines, 2015. Collection method: clinical testing. Allele origin: germline. Not counted in ClinVar's aggregate classification.
Comment: This variant changes 1 nucleotide in exon 14 of the BRCA2 gene, creating a premature translation stop signal. This variant is expected to result in an absent or non-functional protein product. To our knowledge, functional studies have not been reported for this variant. This variant has been reported in male and female individuals affected with breast cancer (PMID: 12491487, 19787003, 21470549, 25452441, 28637432, 31368036, 34645131) and in an individual affected with fallopian tube cancer (PMID: 19787003). This variant has been identified in 1/250660 chromosomes in the general population by the Genome Aggregation Database (gnomAD). Loss of BRCA2 function is a known mechanism of disease. Based on the available evidence, this variant is classified as Pathogenic.

Women's Health and Genetics/Laboratory Corporation of America, LabCorp
Classification: Pathogenic for Hereditary breast ovarian cancer syndrome. Last evaluated: 2023-11-20. Review status: criteria provided, single submitter. Criteria: LabCorp Variant Classification Summary - May 2015. Collection method: clinical testing. Allele origin: germline. Not counted in ClinVar's aggregate classification.
Comment: Variant summary: BRCA2 c.7024C>T (p.Gln2342X) results in a premature termination codon, predicted to cause a truncation of the encoded protein or absence of the protein due to nonsense mediated decay, which are commonly known mechanisms for disease. The variant allele was found at a frequency of 4e-06 in 250660 control chromosomes. c.7024C>T has been reported in the literature in multiple individuals affected with Hereditary Breast and Ovarian Cancer (example: Couch_2015, Grindedal_2017, Panchal_2009). These data indicate that the variant is very likely to be associated with disease. To our knowledge, no experimental evidence demonstrating an impact on protein function has been reported. The following publications have been ascertained in the context of this evaluation (PMID: 25452441, 28637432, 19787003). 12 submitters have cited clinical-significance assessments for this variant to ClinVar after 2014. All submitters classified the variant as pathogenic/likely pathogenic. Based on the evidence outlined above, the variant was classified as pathogenic.

KCCC/NGS Laboratory, Kuwait Cancer Control Center
Classification: Pathogenic for Breast-ovarian cancer, familial, susceptibility to, 2. Last evaluated: 2023-10-24. Review status: criteria provided, single submitter. Criteria: ACMG Guidelines, 2015. Collection method: clinical testing. Allele origin: germline. Inheritance: Autosomal dominant inheritance. Affected: yes. Observed: 1 heterozygote. Not counted in ClinVar's aggregate classification.
Comment: the same text as in the submission from Labcorp Genetics (formerly Invitae), Labcorp above.

Department of Pathology and Laboratory Medicine, Sinai Health System
Classification: Pathogenic for Familial cancer of breast; Breast-ovarian cancer, familial, susceptibility to, 2. Last evaluated: 2023-03-14. Review status: criteria provided, single submitter. Criteria: ACMG Guidelines, 2015. Collection method: clinical testing. Allele origin: germline. Affected: yes. Not counted in ClinVar's aggregate classification.

Baylor Genetics
Classification: Pathogenic for Familial cancer of breast. Last evaluated: 2022-10-21. Review status: criteria provided, single submitter. Criteria: ACMG Guidelines, 2015. Collection method: clinical testing. Allele origin: unknown. Not counted in ClinVar's aggregate classification.